The following is an entry in ClinVar:

ClinVar aggregate classification (germline): Uncertain significance (1 of 4 stars; one submission).

Allele frequency attached by ClinVar (database versions not stated): gnomAD 0.00001.

Submission:

Ambry Genetics
Classification: Uncertain significance. Last evaluated: 2023-01-16. Review status: criteria provided, single submitter. Criteria: Ambry Variant Classification Scheme 2023. Collection method: clinical testing. Allele origin: germline.
Comment: The p.R1084Q variant (also known as c.3251G>A), located in coding exon 25 of the BUB1 gene, results from a G to A substitution at nucleotide position 3251. The arginine at codon 1084 is replaced by glutamine, an amino acid with highly similar properties. This amino acid position is conserved. In addition, this alteration is predicted to be tolerated by in silico analysis. Since supporting evidence is limited at this time, the clinical significance of this alteration remains unclear.

NM_004336.5(BUB1):c.3251G>A (p.Arg1084Gln)

Gene: BUB1 (BUB1 mitotic checkpoint serine/threonine kinase; minus strand). Cytogenetic location: 2q13.
Variant type: single nucleotide variant.
Coding change: c.3251G>A on transcript NM_004336.5 (MANE Select); coding-DNA position 3251, G replaced by A.
Protein change: p.Arg1084Gln; replaces arginine 1084 with glutamine.
Molecular consequence: missense variant.
Genome position (GRCh38, 1-based): chr2:110,637,971, C>T on the plus strand (G>A on the coding strand, the complement: BUB1 is on the minus strand). VCF-style: chr2-110637971-C-T. GRCh37 (hg19) VCF-style: chr2-111395548-C-T.
Other names: c.3191G>A, p.Arg1064Gln (NM_001278616.2); c.3080G>A, p.Arg1027Gln (NM_001278617.2); short protein forms R1027Q, R1064Q, R1084Q.
Identifiers: ClinVar variation 2464939 (VCV002464939.2), dbSNP rs1305871660, ClinGen allele CA348088219.